The following is an entry in ClinVar:

ClinVar aggregate classification (germline): Conflicting classifications of pathogenicity. Review status: criteria provided, conflicting classifications (1 of 4 stars). 5 submissions from 5 submitters: Uncertain significance (4); Likely benign (1). Last evaluated 2026-02-16.

Conditions:
Ullrich congenital muscular dystrophy 2 (UCMD2). Identifiers: Orphanet 75840, MedGen C4225314, MONDO:0014654, OMIM 616470.
Bethlem myopathy 2 (BTHLM2). Identifiers: Orphanet 536516, Orphanet 610, MedGen C4225313, MONDO:0034022, OMIM 616471.

Allele frequency attached by ClinVar (database versions not stated): ExAC 0.00003; gnomAD 0.00003 and 0.00004; TOPMed 0.00003; gnomAD exomes 0.00005; ESP Exome Variant Server 0.00008.
gnomAD v4.1: 37 of 1,613,628 alleles (0.0023%); highest among the groups gnomAD compares: Admixed American, 0.022%; no homozygotes.

Submissions (5):

Women's Health and Genetics/Laboratory Corporation of America, LabCorp
Classification: Uncertain significance. Last evaluated: 2026-02-16. Review status: criteria provided, single submitter. Criteria: LabCorp Variant Classification Summary - May 2015. Collection method: clinical testing. Allele origin: germline.
Comment: Variant summary: COL12A1 c.3247A>G (p.Thr1083Ala) results in a non-conservative amino acid change in the encoded protein sequence. Algorithms developed to predict the effect of missense changes on protein structure and function are either unavailable or do not agree on the potential impact of this missense change. The variant allele was found at a frequency of 5.2e-05 in 249010 control chromosomes. This frequency is not significantly higher than estimated for disease-causing variants in COL12A1, allowing no conclusion about variant significance. To our knowledge, no occurrence of c.3247A>G in individuals affected with COL12A1-related conditions and no experimental evidence demonstrating its impact on protein function have been reported. ClinVar contains an entry for this variant (Variation ID: 836048). Based on the evidence outlined above, the variant was classified as uncertain significance.

Labcorp Genetics (formerly Invitae), Labcorp
Classification: Likely benign for Bethlem myopathy 2; Ullrich congenital muscular dystrophy 2. Last evaluated: 2025-11-28. Review status: criteria provided, single submitter. Criteria: Invitae Variant Classification Sherloc (09022015). Collection method: clinical testing. Allele origin: germline.

Mayo Clinic Laboratories, Mayo Clinic
Classification: Uncertain significance. Last evaluated: 2025-07-12. Review status: criteria provided, single submitter. Criteria: ACMG Guidelines, 2015. Collection method: clinical testing. Allele origin: germline. Observed: 1 variant allele.

Revvity Omics, Revvity
Classification: Uncertain significance. Last evaluated: 2024-08-23. Review status: criteria provided, single submitter. Criteria: ACMG Guidelines, 2015. Collection method: clinical testing. Allele origin: germline.

GeneDx
Classification: Uncertain significance. Last evaluated: 2024-02-23. Review status: criteria provided, single submitter. Criteria: GeneDx Variant Classification Process June 2021. Collection method: clinical testing. Allele origin: germline. Affected: yes.
Comment: Has not been previously published as pathogenic or benign to our knowledge; In silico analysis supports that this missense variant does not alter protein structure/function

NM_004370.6(COL12A1):c.3247A>G (p.Thr1083Ala)

Gene: COL12A1 (collagen type XII alpha 1 chain; minus strand). Cytogenetic location: 6q13.
Variant type: single nucleotide variant.
Coding change: c.3247A>G on transcript NM_004370.6 (MANE Select); coding-DNA position 3247, A replaced by G.
Protein change: p.Thr1083Ala; replaces threonine 1083 with alanine.
Molecular consequence: missense variant. On other transcripts: intron variant (1).
Genome position (GRCh38, 1-based): chr6:75,156,260, T>C on the plus strand (A>G on the coding strand, the complement: COL12A1 is on the minus strand). VCF-style: chr6-75156260-T-C. GRCh37 (hg19) VCF-style: chr6-75865976-T-C.
Other names: p.Thr1083Ala; c.74-3778A>G (NM_080645.3); short protein forms T1083A.
Identifiers: ClinVar variation 836048 (VCV000836048.15), dbSNP rs375221786, ClinGen allele CA3893780.